The following is an entry in ClinVar:

NM_020812.4(DOCK6):c.2073+6T>C

Gene: DOCK6 (dedicator of cytokinesis 6; minus strand). Cytogenetic location: 19p13.2.
Variant type: single nucleotide variant.
Coding change: c.2073+6T>C on transcript NM_020812.4 (MANE Select); 6 bases into the intron after coding-DNA position 2073, T replaced by C.
Molecular consequence: intron variant.
Genome position (GRCh38, 1-based): chr19:11,237,450, A>G on the plus strand (T>C on the coding strand, the complement: DOCK6 is on the minus strand). VCF-style: chr19-11237450-A-G. GRCh37 (hg19) VCF-style: chr19-11348126-A-G.
Other names: c.2073+6T>C (NM_001367830.1).
Identifiers: ClinVar variation 1382108 (VCV001382108.5), dbSNP rs201976636, ClinGen allele CA9207748.

ClinVar aggregate classification (germline): Uncertain significance (1 of 4 stars; one submission).

Allele frequency attached by ClinVar (database versions not stated): ESP Exome Variant Server 0.00016; 1000 Genomes Project 0.00100; 1000 Genomes Project 30x 0.00109.
gnomAD v4.1: 72 of 1,613,466 alleles (0.0045%); highest among the groups gnomAD compares: African/African-American, 0.079%; no homozygotes.

Submissions (2):

Labcorp Genetics (formerly Invitae), Labcorp
Classification: Uncertain significance. Last evaluated: 2024-11-16. Review status: criteria provided, single submitter. Criteria: Invitae Variant Classification Sherloc (09022015). Collection method: clinical testing. Allele origin: germline.
Comment: This sequence change falls in intron 18 of the DOCK6 gene. It does not directly change the encoded amino acid sequence of the DOCK6 protein. It affects a nucleotide within the consensus splice site. This variant is present in population databases (rs201976636, gnomAD 0.09%). This variant has not been reported in the literature in individuals affected with DOCK6-related conditions. ClinVar contains an entry for this variant (Variation ID: 1382108). Variants that disrupt the consensus splice site are a relatively common cause of aberrant splicing (PMID: 17576681, 9536098). Algorithms developed to predict the effect of sequence changes on RNA splicing suggest that this variant may disrupt the consensus splice site. In summary, the available evidence is currently insufficient to determine the role of this variant in disease. Therefore, it has been classified as a Variant of Uncertain Significance.

Dr. Peter K. Rogan Lab, Western University
No classification provided (evidence only). Condition: Cholangiocarcinoma. Review status: no classification provided. Collection method: in vitro. Allele origin: not applicable. Functional consequence: retained intron. Not counted in ClinVar's aggregate classification.

Literature cited by the submitters: PubMed 17576681 (cited by Labcorp Genetics (formerly Invitae), Labcorp); PubMed 9536098 (cited by Labcorp Genetics (formerly Invitae), Labcorp).